The following is an entry in ClinVar:

NM_001123385.2(BCOR):c.1448C>T (p.Pro483Leu)

Genes: BCOR (BCL6 corepressor; minus strand), LOC126863239 (MED14-independent group 3 enhancer GRCh37_chrX:39932994-39934193; plus strand). Cytogenetic location: Xp11.4.
Variant type: single nucleotide variant.
Coding change: c.1448C>T on transcript NM_001123385.2 (MANE Select); coding-DNA position 1448, C replaced by T.
Protein change: p.Pro483Leu; replaces proline 483 with leucine.
Molecular consequence: missense variant.
Genome position (GRCh38, 1-based): chrX:40,073,898, G>A on the plus strand (C>T on the coding strand, the complement: BCOR is on the minus strand). VCF-style: chrX-40073898-G-A. GRCh37 (hg19) VCF-style: chrX-39933151-G-A.
Other names: c.1448C>T, p.Pro483Leu (NM_001123383.2, NM_001123384.2, NM_017745.6); short protein forms P483L.
Identifiers: ClinVar variation 133682 (VCV000133682.11), dbSNP rs587778096, ClinGen allele CA157308.
Genomic context (GRCh38, chrX:40,073,898, plus strand): 5'-CTGATGATTTCAGATCTATAGATAGCACAACCATTTCCTGGAGGAGATAGTGTTTCTTTC[G>A]GAATCTCACTTCCGGAGAGCACTAAGCCACTTCCAGCCCTGCTGTGAACCAGGACCGTGG-3'
Protein context (NP_001116857.1, residues 473-493): SGLVLSGSEI[Pro483Leu]KETLSPPGNG

ClinVar aggregate classification (germline): Benign. Review status: criteria provided, single submitter (1 of 4 stars). 3 submissions from 3 submitters: Benign (1). 2 of the submissions do not count toward it. Last evaluated 2022-08-16.

Conditions:
BCOR-related disorder. Also called: BCOR-related condition; BCOR-related disorders.
Oculofaciocardiodental syndrome (MCOPS2). Identifiers: Orphanet 2712, MedGen C1846265, MONDO:0010261, OMIM 300166.

Allele frequency attached by ClinVar (database versions not stated): gnomAD exomes 0.00006 and 0.00031; gnomAD 0.00008 and 0.00010; 1000 Genomes Project 30x 0.00021; 1000 Genomes Project 0.00026; TOPMed 0.00030; ExAC 0.00034.
gnomAD v4.1: 80 of 1,211,031 alleles (0.0066%); highest among the groups gnomAD compares: East Asian, 0.19%; 1 homozygote.

Submissions (3):

Labcorp Genetics (formerly Invitae), Labcorp
Classification: Benign for Oculofaciocardiodental syndrome. Last evaluated: 2022-08-16. Review status: criteria provided, single submitter. Criteria: Invitae Variant Classification Sherloc (09022015). Collection method: clinical testing. Allele origin: germline.

PreventionGenetics, part of Exact Sciences
Classification: Likely benign for BCOR-related condition. Last evaluated: 2019-04-11. Review status: no assertion criteria provided. Collection method: clinical testing. Allele origin: germline. Not counted in ClinVar's aggregate classification.
Comment: This variant is classified as likely benign based on ACMG/AMP sequence variant interpretation guidelines (Richards et al. 2015 PMID: 25741868, with internal and published modifications).

ITMI
No classification provided. Condition: AllHighlyPenetrant. Last evaluated: 2013-09-19. Review status: no classification provided. Collection method: reference population. Allele origin: germline. Not counted in ClinVar's aggregate classification.
Comment: Please see associated publication for description of ethnicities

Literature cited by the submitters: PubMed 24728327 (cited by ITMI).